The following is an entry in ClinVar:

NM_000141.5(FGFR2):c.453G>C (p.Lys151Asn)

Gene: FGFR2 (fibroblast growth factor receptor 2; minus strand). Cytogenetic location: 10q26.13.
Variant type: single nucleotide variant.
Coding change: c.453G>C on transcript NM_000141.5 (MANE Select); coding-DNA position 453, G replaced by C.
Protein change: p.Lys151Asn; replaces lysine 151 with asparagine.
Molecular consequence: missense variant. On other transcripts: intron variant (2).
Genome position (GRCh38, 1-based): chr10:121,564,503, C>G on the plus strand (G>C on the coding strand, the complement: FGFR2 is on the minus strand). VCF-style: chr10-121564503-C-G. GRCh37 (hg19) VCF-style: chr10-123324017-C-G.
Other names: c.453G>C, p.Lys151Asn (NM_001144913.1, NM_001144914.1, NM_001144917.2 and 2 more transcripts); c.186G>C, p.Lys62Asn (NM_001144915.2, NM_001144919.2, NM_023029.3); c.110-13044G>C (NM_001144918.2, NM_001144916.2); short protein forms K62N, K151N.
Identifiers: ClinVar variation 4024750 (VCV004024750.1).

ClinVar aggregate classification (germline): Uncertain significance (1 of 4 stars; one submission).

Conditions:
Inborn genetic diseases. Identifiers: MedGen C0950123, MeSH D030342.

gnomAD v4.1: 76 of 1,613,658 alleles (0.0047%); highest among the groups gnomAD compares: South Asian, 0.078%; no homozygotes.

Submission:

Ambry Genetics
Classification: Uncertain significance for Inborn genetic diseases. Last evaluated: 2025-04-25. Review status: criteria provided, single submitter. Criteria: Ambry Variant Classification Scheme 2023. Collection method: clinical testing. Allele origin: germline.
Comment: The c.453G>C (p.K151N) alteration is located in exon 4 (coding exon 3) of the FGFR2 gene. This alteration results from a G to C substitution at nucleotide position 453, causing the lysine (K) at amino acid position 151 to be replaced by an asparagine (N). for autosomal dominant FGFR2-related lacrimoauriculodentodigital syndrome; however, it is unlikely to be causative of FGFR2-related craniosynostosis disorders. Based on data from gnomAD, this allele has an overall frequency of 0.01% (26/251442) total alleles studied. The highest observed frequency was 0.085% (26/30616) of South Asian alleles. This amino acid position is not well conserved in available vertebrate species. This alteration is predicted to be tolerated by in silico analysis. Based on insufficient or conflicting evidence, the clinical significance of this alteration remains unclear.